The following is an entry in ClinVar:

NM_000264.5(PTCH1):c.68C>A (p.Ala23Asp)

Genes: PTCH1 (patched 1; minus strand), LOC130002133 (ATAC-STARR-seq lymphoblastoid silent region 20071; plus strand). Cytogenetic location: 9q22.32.
Variant type: single nucleotide variant.
Coding change: c.68C>A on transcript NM_000264.5 (MANE Select); coding-DNA position 68, C replaced by A.
Protein change: p.Ala23Asp; replaces alanine 23 with aspartic acid.
Molecular consequence: missense variant. On other transcripts: non-coding transcript variant (1), intron variant (3).
Genome position (GRCh38, 1-based): chr9:95,508,294, G>T on the plus strand (C>A on the coding strand, the complement: PTCH1 is on the minus strand). VCF-style: chr9-95508294-G-T. GRCh37 (hg19) VCF-style: chr9-98270576-G-T.
Other names: c.68C>A, p.Ala23Asp (NM_001354918.2); c.199-1695C>A (NM_001083603.3); c.4-1695C>A (NM_001083602.3, NM_001354919.2); short protein forms A23D.
Identifiers: ClinVar variation 930926 (VCV000930926.3), dbSNP rs761204245, ClinGen allele CA5139061.

ClinVar aggregate classification (germline): Uncertain significance (1 of 4 stars; one submission).

Conditions:
Basal cell carcinoma, susceptibility to, 1. Also called: BCC1. Identifiers: MedGen C2751544, MONDO:0011556, OMIM 605462.

Submission:

Centre for Mendelian Genomics, University Medical Centre Ljubljana
Classification: Uncertain significance for Basal cell carcinoma, susceptibility to, 1. Last evaluated: 2020-01-06. Review status: criteria provided, single submitter. Criteria: ACMG Guidelines, 2015. Collection method: clinical testing. Allele origin: unknown. Affected: yes.
Comment: This variant was classified as: Uncertain significance. The available evidence on this variant's pathogenicity is insufficient or conflicting. The following ACMG criteria were applied in classifying this variant: PM2,BP4.